The following is an entry in ClinVar:

NM_001129.5(AEBP1):c.1789C>T (p.Leu597Phe)

Gene: AEBP1 (AE binding protein 1; plus strand). Cytogenetic location: 7p13.
Variant type: single nucleotide variant.
Coding change: c.1789C>T on transcript NM_001129.5 (MANE Select); coding-DNA position 1789, C replaced by T.
Protein change: p.Leu597Phe; replaces leucine 597 with phenylalanine.
Molecular consequence: missense variant.
Genome position (GRCh38, 1-based): chr7:44,111,579, C>T. VCF-style: chr7-44111579-C-T. GRCh37 (hg19) VCF-style: chr7-44151178-C-T.
Other names: c.1789C>T (NM_001129.4); short protein forms L597F.
Identifiers: ClinVar variation 2180182 (VCV002180182.4), dbSNP rs760919744, ClinGen allele CA4238007.

ClinVar aggregate classification (germline): Uncertain significance. Review status: criteria provided, multiple submitters, no conflicts (2 of 4 stars). 2 submissions from 2 submitters: Uncertain significance (2). Last evaluated 2024-08-06.

Allele frequency attached by ClinVar (database versions not stated): gnomAD exomes 0.00004; TOPMed 0.00005; ExAC 0.00008.
gnomAD v4.1: 66 of 1,613,136 alleles (0.0041%); highest among the groups gnomAD compares: East Asian, 0.14%; no homozygotes.

Submissions (2):

GeneDx
Classification: Uncertain significance. Last evaluated: 2024-08-06. Review status: criteria provided, single submitter. Criteria: GeneDx Variant Classification Process June 2021. Collection method: clinical testing. Allele origin: germline. Affected: yes.
Comment: In silico analysis supports that this missense variant has a deleterious effect on protein structure/function; Has not been previously published as pathogenic or benign to our knowledge

Labcorp Genetics (formerly Invitae), Labcorp
Classification: Uncertain significance. Last evaluated: 2022-08-01. Review status: criteria provided, single submitter. Criteria: Invitae Variant Classification Sherloc (09022015). Collection method: clinical testing. Allele origin: germline.
Comment: In summary, the available evidence is currently insufficient to determine the role of this variant in disease. Therefore, it has been classified as a Variant of Uncertain Significance. Algorithms developed to predict the effect of missense changes on protein structure and function are either unavailable or do not agree on the potential impact of this missense change (SIFT: "Deleterious"; PolyPhen-2: "Probably Damaging"; Align-GVGD: "Class C0"). This variant has not been reported in the literature in individuals affected with AEBP1-related conditions. This variant is present in population databases (rs760919744, gnomAD 0.09%). This sequence change replaces leucine, which is neutral and non-polar, with phenylalanine, which is neutral and non-polar, at codon 597 of the AEBP1 protein (p.Leu597Phe).